The following is an entry in ClinVar:

ClinVar aggregate classification (germline): Uncertain significance (1 of 4 stars; one submission).

Conditions:
Blau syndrome (BLAUS). Also called: ARTHROCUTANEOUVEAL GRANULOMATOSIS; GRANULOMATOSIS, FAMILIAL JUVENILE SYSTEMIC; GRANULOMATOSIS, FAMILIAL, BLAU TYPE; GRANULOMATOUS INFLAMMATORY ARTHRITIS, DERMATITIS, AND UVEITIS, FAMILIAL; JABS SYNDROME. Identifiers: Orphanet 90340, MedGen C5201146, MONDO:0008523, OMIM 186580.
Regional enteritis. Also called: Enteritis, Granulomatous. Identifiers: MedGen C0678202, MeSH D003424.

Submission:

Labcorp Genetics (formerly Invitae), Labcorp
Classification: Uncertain significance for Regional enteritis; Blau syndrome. Last evaluated: 2020-03-22. Review status: criteria provided, single submitter. Criteria: Invitae Variant Classification Sherloc (09022015). Collection method: clinical testing. Allele origin: germline.
Comment: In summary, the available evidence is currently insufficient to determine the role of this variant in disease. Therefore, it has been classified as a Variant of Uncertain Significance. Algorithms developed to predict the effect of missense changes on protein structure and function are either unavailable or do not agree on the potential impact of this missense change (SIFT: "Deleterious"; PolyPhen-2: "Benign"; Align-GVGD: "Class C0"). This variant has not been reported in the literature in individuals with NOD2-related conditions. This variant is not present in population databases (ExAC no frequency). This sequence change replaces aspartic acid with asparagine at codon 1035 of the NOD2 protein (p.Asp1035Asn). The aspartic acid residue is highly conserved and there is a small physicochemical difference between aspartic acid and asparagine.

NM_001370466.1(NOD2):c.3022G>A (p.Asp1008Asn)

Genes: CYLD-AS1 (CYLD antisense RNA 1; minus strand), NOD2 (nucleotide binding oligomerization domain containing 2; plus strand). Cytogenetic location: 16q12.1.
Variant type: single nucleotide variant.
Coding change: c.3022G>A on transcript NM_001370466.1 (MANE Select); coding-DNA position 3022, G replaced by A.
Protein change: p.Asp1008Asn; replaces aspartic acid 1008 with asparagine.
Molecular consequence: missense variant. On other transcripts: non-coding transcript variant (1).
Genome position (GRCh38, 1-based): chr16:50,731,799, G>A. VCF-style: chr16-50731799-G-A. GRCh37 (hg19) VCF-style: chr16-50765710-G-A.
Other names: c.3022G>A, p.Asp1008Asn (NM_001293557.2); c.3103G>A, p.Asp1035Asn (NM_022162.3); short protein forms D1008N, D1035N.
Identifiers: ClinVar variation 1063290 (VCV001063290.9), dbSNP rs2150846563, ClinGen allele CA395877116.